The following is an entry in ClinVar:

ClinVar aggregate classification (germline): Pathogenic (1 of 4 stars; one submission).

Conditions:
Ehlers-Danlos syndrome, classic type, 1 (EDSCL1). Also called: EHLERS-DANLOS SYNDROME, GRAVIS TYPE; EHLERS-DANLOS SYNDROME, SEVERE CLASSIC TYPE; Ehlers-Danlos syndrome, type 1; Ehlers-Danlos Syndrome, Classic Type, COL5A1-Related; EDS I. Identifiers: MedGen C0268335, MONDO:0019567, OMIM 130000.

Submission:

Women's Health and Genetics/Laboratory Corporation of America, LabCorp
Classification: Pathogenic for Ehlers-Danlos syndrome, classic type, 1. Last evaluated: 2025-06-02. Review status: criteria provided, single submitter. Criteria: LabCorp Variant Classification Summary - May 2015. Collection method: clinical testing. Allele origin: germline.
Comment: Variant summary: COL5A1 c.2770dupC (p.Arg924ProfsX16) results in a premature termination codon, predicted to cause a truncation of the encoded protein or absence of the protein due to nonsense mediated decay, which are commonly known mechanisms for disease. The variant was absent in 251170 control chromosomes (gnomAD). c.2770dupC has been observed in an individual affected with Ehlers-Danlos syndrome (Symoens_2012). The following publication has been ascertained in the context of this evaluation (PMID: 22696272). No submitters have cited clinical-significance assessments for this variant to ClinVar. Based on the evidence outlined above, the variant was classified as pathogenic.

Literature cited by the submitters: PubMed 22696272.

NM_000093.5(COL5A1):c.2770dup (p.Arg924fs)

Gene: COL5A1 (collagen type V alpha 1 chain; plus strand). Cytogenetic location: 9q34.3.
Variant type: Duplication.
Coding change: c.2770dup on transcript NM_000093.5 (MANE Select); coding-DNA position 2770, one base duplicated (C; older notation c.2770dupC).
Protein change: p.Arg924fs; shifts the reading frame from arginine 924.
Molecular consequence: frameshift variant.
Genome position (GRCh38, 1-based): chr9:134,795,286, C duplicated; the last of 5 consecutive C bases (chr9:134,795,282-134,795,286); duplicating any one gives the same sequence. VCF-style (leftmost placement, unchanged base first): chr9-134795281-G-GC. GRCh37 (hg19) VCF-style: chr9-137687127-G-GC.
Other names: c.2770dupC (NM_000093.5); c.2770dup, p.Arg924fs (NM_001278074.1); short protein forms R924fs.
Identifiers: ClinVar variation 3907454 (VCV003907454.1).